The following is an entry in ClinVar:

NM_001369.3(DNAH5):c.3712G>T (p.Glu1238Ter)

Genes: DNAH5 (dynein axonemal heavy chain 5; minus strand), DNAH5-AS1 (DNAH5 antisense RNA 1; plus strand). Cytogenetic location: 5p15.2.
Variant type: single nucleotide variant.
Coding change: c.3712G>T on transcript NM_001369.3 (MANE Select); coding-DNA position 3712, G replaced by T.
Protein change: p.Glu1238Ter; replaces glutamic acid 1238 with a stop codon.
Molecular consequence: nonsense.
Genome position (GRCh38, 1-based): chr5:13,870,889, C>A on the plus strand (G>T on the coding strand, the complement: DNAH5 is on the minus strand). VCF-style: chr5-13870889-C-A. GRCh37 (hg19) VCF-style: chr5-13870998-C-A.
Other names: short protein forms E1238*.
Identifiers: ClinVar variation 5013882 (VCV005013882.1).

ClinVar aggregate classification (germline): Pathogenic (1 of 4 stars; one submission).

Conditions:
Primary ciliary dyskinesia 3. Identifiers: Orphanet 244, MedGen C1837618, MONDO:0012085, OMIM 608644.

Submission:

Myriad Genetics, Inc.
Classification: Pathogenic for Primary ciliary dyskinesia 3. Last evaluated: 2024-05-14. Review status: criteria provided, single submitter. Criteria: Myriad Autosomal Dominant, Autosomal Recessive and X-Linked Classification Criteria (2023). Collection method: clinical testing. Allele origin: unknown.
Comment: NM_001369.2(DNAH5):c.3712G>T(E1238*) is expected to be pathogenic in the context of primary ciliary dyskinesia, DNAH5-related. This variant is predicted to lead to an abnormal or absent protein product due to the creation of a premature termination codon in DNAH5, a gene where loss-of-function variants are known to be pathogenic. Please note: this variant was assessed in the context of healthy population screening.